The following is an entry in ClinVar:

ClinVar aggregate classification (germline): Uncertain significance (1 of 4 stars; one submission).

Conditions:
Autosomal dominant spastic paraplegia type 9. Identifiers: MedGen C1832669, MONDO:0015091.
de Barsy syndrome. Also called: Cutis laxa-corneal clouding-oligophrenia syndrome. Identifiers: Orphanet 2962, MedGen C0268354, MONDO:0017569.
Cutis laxa, autosomal dominant 3 (ADCL3). Identifiers: Orphanet 90348, MedGen C4225268, MONDO:0014706, OMIM 616603.

Submission:

Labcorp Genetics (formerly Invitae), Labcorp
Classification: Uncertain significance for Autosomal dominant spastic paraplegia type 9; de Barsy syndrome; Cutis laxa, autosomal dominant 3. Last evaluated: 2022-06-09. Review status: criteria provided, single submitter. Criteria: Invitae Variant Classification Sherloc (09022015). Collection method: clinical testing. Allele origin: germline.
Comment: This sequence change replaces arginine, which is basic and polar, with glycine, which is neutral and non-polar, at codon 558 of the ALDH18A1 protein (p.Arg558Gly). This variant is not present in population databases (gnomAD no frequency). This variant has not been reported in the literature in individuals affected with ALDH18A1-related conditions. Algorithms developed to predict the effect of missense changes on protein structure and function (SIFT, PolyPhen-2, Align-GVGD) all suggest that this variant is likely to be disruptive. In summary, the available evidence is currently insufficient to determine the role of this variant in disease. Therefore, it has been classified as a Variant of Uncertain Significance.

NM_002860.4(ALDH18A1):c.1672C>G (p.Arg558Gly)

Gene: ALDH18A1 (aldehyde dehydrogenase 18 family member A1; minus strand). Cytogenetic location: 10q24.1.
Variant type: single nucleotide variant.
Coding change: c.1672C>G on transcript NM_002860.4 (MANE Select); coding-DNA position 1672, C replaced by G.
Protein change: p.Arg558Gly; replaces arginine 558 with glycine.
Molecular consequence: missense variant.
Genome position (GRCh38, 1-based): chr10:95,614,095, G>C on the plus strand (C>G on the coding strand, the complement: ALDH18A1 is on the minus strand). VCF-style: chr10-95614095-G-C. GRCh37 (hg19) VCF-style: chr10-97373852-G-C.
Other names: c.1666C>G, p.Arg556Gly (NM_001017423.2, NM_001323415.2); c.1339C>G, p.Arg447Gly (NM_001323412.2, NM_001323416.2); c.1672C>G, p.Arg558Gly (NM_001323413.2, NM_001323414.2); c.1567C>G, p.Arg523Gly (NM_001323417.2); c.1333C>G, p.Arg445Gly (NM_001323418.2); c.1036C>G, p.Arg346Gly (NM_001323419.2); short protein forms R445G, R523G, R558G, R346G, R447G, R556G.
Identifiers: ClinVar variation 1927614 (VCV001927614.5), dbSNP rs2139541678, ClinGen allele CA377700768.